The following is an entry in ClinVar:

NM_032119.4(ADGRV1):c.15414del (p.Glu5139fs)

Gene: ADGRV1 (adhesion G protein-coupled receptor V1; plus strand). Cytogenetic location: 5q14.3.
Variant type: Deletion.
Coding change: c.15414del on transcript NM_032119.4 (MANE Select); coding-DNA position 15414, one base deleted (C; older notation c.15414delC).
Protein change: p.Glu5139fs; shifts the reading frame from glutamic acid 5139.
Molecular consequence: frameshift variant. On other transcripts: non-coding transcript variant (1).
Genome position (GRCh38, 1-based): chr5:90,810,674, C deleted; the last of 4 consecutive C bases (chr5:90,810,671-90,810,674); deleting any one gives the same sequence. VCF-style (leftmost placement, unchanged base first): chr5-90810670-TC-T. GRCh37 (hg19) VCF-style: chr5-90106487-TC-T.
Other names: short protein forms E5139fs.
Identifiers: ClinVar variation 2021120 (VCV002021120.4), dbSNP rs1286940284, ClinGen allele CA815381616.

ClinVar aggregate classification (germline): Pathogenic (1 of 4 stars; one submission).

Submission:

Labcorp Genetics (formerly Invitae), Labcorp
Classification: Pathogenic. Last evaluated: 2022-08-06. Review status: criteria provided, single submitter. Criteria: Invitae Variant Classification Sherloc (09022015). Collection method: clinical testing. Allele origin: germline.
Comment: For these reasons, this variant has been classified as Pathogenic. This variant has not been reported in the literature in individuals affected with ADGRV1-related conditions. This variant is not present in population databases (gnomAD no frequency). This sequence change creates a premature translational stop signal (p.Glu5139Argfs*6) in the ADGRV1 gene. It is expected to result in an absent or disrupted protein product. Loss-of-function variants in ADGRV1 are known to be pathogenic (PMID: 19357117, 22135276, 22147658, 26226137, 30718709, 31047384, 32467589).

Literature cited by the submitters: PubMed 19357117; PubMed 22135276; PubMed 22147658; PubMed 26226137; PubMed 30718709; PubMed 31047384; PubMed 32467589.